The following is an entry in ClinVar:

ClinVar aggregate classification (germline): Likely pathogenic. Review status: criteria provided, single submitter (1 of 4 stars). 2 submissions from 2 submitters: Likely pathogenic (1). 1 of the submissions does not count toward it. Last evaluated 2023-06-13.

Conditions:
Seizures, benign familial neonatal, 1. Also called: KCNQ2-Related Benign Familial Neonatal Epilepsy; Benign Neonatal Epilepsy 1; KCNQ2-Related Self-Limited Familial Neonatal Epilepsy (SLFNE); Seizures, benign neonatal, 1. Identifiers: Orphanet 1949, MedGen C3149074, MONDO:0007365, OMIM 121200.

Submissions (2):

Mayo Clinic Laboratories, Mayo Clinic
Classification: Likely pathogenic. Last evaluated: 2023-06-13. Review status: criteria provided, single submitter. Criteria: ACMG Guidelines, 2015. Collection method: clinical testing. Allele origin: germline. Observed: 1 variant allele.
Comment: PP1_moderate, PP2, PP3, PP4, PM2_moderate

GeneReviews
No classification provided. Condition: Seizures, benign familial neonatal, 1. Review status: no classification provided. Collection method: literature only. Allele origin: germline. Affected: yes. Not counted in ClinVar's aggregate classification.
Comment: BFNE (benign familial neonatal epilepsy)

Functional effect: CHO: no effect on maximal current (in homomers or heteromers); slightly reduced Syx effects

Literature cited by the submitters: PubMed 24375629 (cited by Mayo Clinic Laboratories, Mayo Clinic and GeneReviews); PubMed 26073431 (cited by Mayo Clinic Laboratories, Mayo Clinic); PubMed 27054081 (cited by Mayo Clinic Laboratories, Mayo Clinic); PubMed 28488083 (cited by Mayo Clinic Laboratories, Mayo Clinic); PubMed 28717674 (cited by Mayo Clinic Laboratories, Mayo Clinic); PubMed 30669290 (cited by Mayo Clinic Laboratories, Mayo Clinic); NCBI Bookshelf NBK32534 (cited by GeneReviews).

NM_172107.4(KCNQ2):c.1085A>G (p.Tyr362Cys)

Gene: KCNQ2 (potassium voltage-gated channel subfamily Q member 2; minus strand). Cytogenetic location: 20q13.33.
Variant type: single nucleotide variant.
Coding change: c.1085A>G on transcript NM_172107.4 (MANE Select); coding-DNA position 1085, A replaced by G.
Protein change: p.Tyr362Cys; replaces tyrosine 362 with cysteine.
Molecular consequence: missense variant.
Genome position (GRCh38, 1-based): chr20:63,433,842, T>C on the plus strand (A>G on the coding strand, the complement: KCNQ2 is on the minus strand). VCF-style: chr20-63433842-T-C. GRCh37 (hg19) VCF-style: chr20-62065195-T-C.
Other names: c.1085A>G, p.Tyr362Cys (NM_004518.6, NM_172106.3, NM_172108.5 and 1 more transcripts); short protein forms Y362C.
Identifiers: ClinVar variation 369784 (VCV000369784.3), dbSNP rs1057516111, ClinGen allele CA10654795.